The following is an entry in ClinVar:

NM_001330360.2(POLA1):c.4017C>G (p.Asp1339Glu)

Gene: POLA1 (DNA polymerase alpha 1, catalytic subunit; plus strand). Cytogenetic location: Xp22.11.
Variant type: single nucleotide variant.
Coding change: c.4017C>G on transcript NM_001330360.2 (MANE Select); coding-DNA position 4017, C replaced by G.
Protein change: p.Asp1339Glu; replaces aspartic acid 1339 with glutamic acid.
Molecular consequence: missense variant. On other transcripts: non-coding transcript variant (2).
Genome position (GRCh38, 1-based): chrX:24,843,647, C>G. VCF-style: chrX-24843647-C-G. GRCh37 (hg19) VCF-style: chrX-24861764-C-G.
Other names: c.3942C>G, p.Asp1314Glu (NM_001378303.1); c.3999C>G, p.Asp1333Glu (NM_016937.4); short protein forms D1339E, D1314E, D1333E.
Identifiers: ClinVar variation 2719577 (VCV002719577.3), dbSNP rs2518749641, ClinGen allele CA412608561.

ClinVar aggregate classification (germline): Uncertain significance (1 of 4 stars; one submission).

Submission:

Labcorp Genetics (formerly Invitae), Labcorp
Classification: Uncertain significance. Last evaluated: 2023-12-07. Review status: criteria provided, single submitter. Criteria: Invitae Variant Classification Sherloc (09022015). Collection method: clinical testing. Allele origin: germline.
Comment: This sequence change replaces aspartic acid, which is acidic and polar, with glutamic acid, which is acidic and polar, at codon 1333 of the POLA1 protein (p.Asp1333Glu). This variant is not present in population databases (gnomAD no frequency). This variant has not been reported in the literature in individuals affected with POLA1-related conditions. Advanced modeling of protein sequence and biophysical properties (such as structural, functional, and spatial information, amino acid conservation, physicochemical variation, residue mobility, and thermodynamic stability) performed at Invitae indicates that this missense variant is not expected to disrupt POLA1 protein function with a negative predictive value of 80%. In summary, the available evidence is currently insufficient to determine the role of this variant in disease. Therefore, it has been classified as a Variant of Uncertain Significance.